The following is an entry in ClinVar:

NM_182493.3(MYLK3):c.211C>T (p.Arg71Trp)

Gene: MYLK3 (myosin light chain kinase 3; minus strand). Cytogenetic location: 16q11.2.
Variant type: single nucleotide variant.
Coding change: c.211C>T on transcript NM_182493.3 (MANE Select); coding-DNA position 211, C replaced by T.
Protein change: p.Arg71Trp; replaces arginine 71 with tryptophan.
Molecular consequence: missense variant. On other transcripts: intron variant (1).
Genome position (GRCh38, 1-based): chr16:46,747,983, G>A on the plus strand (C>T on the coding strand, the complement: MYLK3 is on the minus strand). VCF-style: chr16-46747983-G-A. GRCh37 (hg19) VCF-style: chr16-46781895-G-A.
Other names: c.-113-7836C>T (NM_001308301.1); c.211C>T (NM_182493.2); short protein forms R71W.
Identifiers: ClinVar variation 1366774 (VCV001366774.7), dbSNP rs749607925, ClinGen allele CA8038303.

ClinVar aggregate classification (germline): Uncertain significance. Review status: criteria provided, multiple submitters, no conflicts (2 of 4 stars). 2 submissions from 2 submitters: Uncertain significance (2). Last evaluated 2025-10-02.

Allele frequency attached by ClinVar (database versions not stated): gnomAD exomes 0.00002 and 0.00003; ExAC 0.00004; TOPMed 0.00006.

Submissions (2):

Labcorp Genetics (formerly Invitae), Labcorp
Classification: Uncertain significance. Last evaluated: 2025-10-02. Review status: criteria provided, single submitter. Criteria: Invitae Variant Classification Sherloc (09022015). Collection method: clinical testing. Allele origin: germline.
Comment: This sequence change replaces arginine, which is basic and polar, with tryptophan, which is neutral and slightly polar, at codon 71 of the MYLK3 protein (p.Arg71Trp). This variant is present in population databases (rs749607925, gnomAD 0.009%). This missense change has been observed in individual(s) with dilated cardiomyopathy (internal data). ClinVar contains an entry for this variant (Variation ID: 1366774). An algorithm developed to predict the effect of missense changes on protein structure and function (PolyPhen-2) suggests that this variant is likely to be disruptive. In summary, the available evidence is currently insufficient to determine the role of this variant in disease. Therefore, it has been classified as a Variant of Uncertain Significance.

Ambry Genetics
Classification: Uncertain significance. Last evaluated: 2023-12-13. Review status: criteria provided, single submitter. Criteria: Ambry Variant Classification Scheme 2023. Collection method: clinical testing. Allele origin: germline.